The following is an entry in ClinVar:

ClinVar aggregate classification (germline): Likely benign (0 of 4 stars; one submission).

Conditions:
ABCG1-related disorder. Also called: ABCG1-related condition.

Allele frequency attached by ClinVar (database versions not stated): ExAC 0.00005; TOPMed 0.00010; gnomAD 0.00011; ESP Exome Variant Server 0.00015.
gnomAD v4.1: 111 of 1,613,816 alleles (0.0069%); highest among the groups gnomAD compares: Middle Eastern, 0.48%; no homozygotes.

Submission:

PreventionGenetics, part of Exact Sciences
Classification: Likely benign for ABCG1-related condition. Last evaluated: 2019-03-20. Review status: no assertion criteria provided. Collection method: clinical testing. Allele origin: germline.
Comment: This variant is classified as likely benign based on ACMG/AMP sequence variant interpretation guidelines (Richards et al. 2015 PMID: 25741868, with internal and published modifications).

NM_016818.3(ABCG1):c.771G>A (p.Ser257=)

Gene: ABCG1 (ATP binding cassette subfamily G member 1; plus strand). Cytogenetic location: 21q22.3.
Variant type: single nucleotide variant.
Coding change: c.771G>A on transcript NM_016818.3 (MANE Select); coding-DNA position 771, G replaced by A.
Protein change: p.Ser257=; no amino-acid change (serine 257 retained).
Molecular consequence: synonymous variant.
Genome position (GRCh38, 1-based): chr21:42,284,596, G>A. VCF-style: chr21-42284596-G-A. GRCh37 (hg19) VCF-style: chr21-43704706-G-A.
Other names: c.771G>A, p.Ser257= (NM_004915.4); c.804G>A, p.Ser268= (NM_207174.1); c.777G>A, p.Ser259= (NM_207627.2); c.705G>A, p.Ser235= (NM_207628.1); c.762G>A, p.Ser254= (NM_207629.2).
Identifiers: ClinVar variation 3052439 (VCV003052439.2), dbSNP rs150720995, ClinGen allele CA10041161.